The following is an entry in ClinVar:

NM_017780.4(CHD7):c.5563C>T (p.Pro1855Ser)

Gene: CHD7 (chromodomain helicase DNA binding protein 7; plus strand). Cytogenetic location: 8q12.2.
Variant type: single nucleotide variant.
Coding change: c.5563C>T on transcript NM_017780.4 (MANE Select); coding-DNA position 5563, C replaced by T.
Protein change: p.Pro1855Ser; replaces proline 1855 with serine.
Molecular consequence: missense variant. On other transcripts: intron variant (1).
Genome position (GRCh38, 1-based): chr8:60,851,060, C>T. VCF-style: chr8-60851060-C-T. GRCh37 (hg19) VCF-style: chr8-61763619-C-T.
Other names: c.1717-11169C>T (NM_001316690.1); short protein forms P1855S.
Identifiers: ClinVar variation 2632679 (VCV002632679.1), dbSNP rs563402803, ClinGen allele CA177353376.

ClinVar aggregate classification (germline): Uncertain significance (1 of 4 stars; one submission).

Conditions:
CHD7-related disorder. Also called: CHD7-related condition.

Allele frequency attached by ClinVar (database versions not stated): gnomAD exomes below 0.00001; gnomAD 0.00001; 1000 Genomes Project 30x 0.00016; 1000 Genomes Project 0.00020.
gnomAD v4.1: 3 of 1,574,490 alleles (0.00019%); highest among the groups gnomAD compares: South Asian, 0.0035%; no homozygotes.

Submission:

PreventionGenetics, part of Exact Sciences
Classification: Uncertain significance for CHD7-related condition. Last evaluated: 2023-06-18. Review status: criteria provided, single submitter. Criteria: ACMG Guidelines, 2015. Collection method: clinical testing. Allele origin: germline.
Comment: The CHD7 c.5563C>T variant is predicted to result in the amino acid substitution p.Pro1855Ser. To our knowledge, this variant has not been reported in the literature or in a large population database, indicating this variant is rare. At this time, the clinical significance of this variant is uncertain due to the absence of conclusive functional and genetic evidence.